The following is an entry in ClinVar:

NM_004618.5(TOP3A):c.1423C>T (p.Arg475Ter)

Gene: TOP3A (DNA topoisomerase III alpha; minus strand). Cytogenetic location: 17p11.2.
Variant type: single nucleotide variant.
Coding change: c.1423C>T on transcript NM_004618.5 (MANE Select); coding-DNA position 1423, C replaced by T.
Protein change: p.Arg475Ter; replaces arginine 475 with a stop codon.
Molecular consequence: nonsense.
Genome position (GRCh38, 1-based): chr17:18,290,886, G>A on the plus strand (C>T on the coding strand, the complement: TOP3A is on the minus strand). VCF-style: chr17-18290886-G-A. GRCh37 (hg19) VCF-style: chr17-18194200-G-A.
Other names: c.1138C>T, p.Arg380Ter (NM_001320759.2); short protein forms R380*, R475*.
Identifiers: ClinVar variation 5041756 (VCV005041756.1).

ClinVar aggregate classification (germline): Pathogenic (1 of 4 stars; one submission).

gnomAD v4.1: 5 of 1,613,994 alleles (0.00031%); highest among the groups gnomAD compares: African/African-American, 0.0013%; no homozygotes.

Submission:

CeGaT Center for Human Genetics Tuebingen
Classification: Pathogenic. Last evaluated: 2026-09-01. Review status: criteria provided, single submitter. Criteria: CeGaT Center For Human Genetics Tuebingen Variant Classification Criteria Version 2. Collection method: clinical testing. Allele origin: germline. Affected: yes. Observed: 1 variant allele.
Comment: TOP3A: PVS1, PM2